The following is an entry in ClinVar:

NM_000163.5(GHR):c.409G>C (p.Asp137His)

Gene: GHR (growth hormone receptor; plus strand). Cytogenetic location: 5p12.
Variant type: single nucleotide variant.
Coding change: c.409G>C on transcript NM_000163.5 (MANE Select); coding-DNA position 409, G replaced by C.
Protein change: p.Asp137His; replaces aspartic acid 137 with histidine.
Molecular consequence: missense variant.
Genome position (GRCh38, 1-based): chr5:42,695,059, G>C. VCF-style: chr5-42695059-G-C. GRCh37 (hg19) VCF-style: chr5-42695161-G-C.
Other names: c.430G>C, p.Asp144His (NM_001242399.2); c.409G>C, p.Asp137His (NM_001242400.2, NM_001242401.4, NM_001242402.2 and 5 more transcripts); c.343G>C, p.Asp115His (NM_001242460.2); short protein forms D115H, D137H, D144H.
Identifiers: ClinVar variation 3853937 (VCV003853937.2).

ClinVar aggregate classification (germline): Uncertain significance. Review status: criteria provided, multiple submitters, no conflicts (2 of 4 stars). 2 submissions from 2 submitters: Uncertain significance (2). Last evaluated 2025-03-13.

Conditions:
Inborn genetic diseases. Identifiers: MedGen C0950123, MeSH D030342.

gnomAD v4.1: 28 of 1,611,372 alleles (0.0017%); highest among the groups gnomAD compares: Middle Eastern, 0.016%; no homozygotes.

Submissions (2):

Labcorp Genetics (formerly Invitae), Labcorp
Classification: Uncertain significance. Last evaluated: 2025-03-13. Review status: criteria provided, single submitter. Criteria: Invitae Variant Classification Sherloc (09022015). Collection method: clinical testing. Allele origin: germline.
Comment: This sequence change replaces aspartic acid, which is acidic and polar, with histidine, which is basic and polar, at codon 137 of the GHR protein (p.Asp137His). This variant is present in population databases (rs370989593, gnomAD 0.006%). This variant has not been reported in the literature in individuals affected with GHR-related conditions. Invitae Evidence Modeling of protein sequence and biophysical properties (such as structural, functional, and spatial information, amino acid conservation, physicochemical variation, residue mobility, and thermodynamic stability) indicates that this missense variant is not expected to disrupt GHR protein function with a negative predictive value of 80%. In summary, the available evidence is currently insufficient to determine the role of this variant in disease. Therefore, it has been classified as a Variant of Uncertain Significance.

Ambry Genetics
Classification: Uncertain significance for Inborn genetic diseases. Last evaluated: 2025-02-19. Review status: criteria provided, single submitter. Criteria: Ambry Variant Classification Scheme 2023. Collection method: clinical testing. Allele origin: germline.